The following is an entry in ClinVar:

NM_002103.5(GYS1):c.1142A>C (p.Lys381Thr)

Gene: GYS1 (glycogen synthase 1; minus strand). Cytogenetic location: 19q13.33.
Variant type: single nucleotide variant.
Coding change: c.1142A>C on transcript NM_002103.5 (MANE Select); coding-DNA position 1142, A replaced by C.
Protein change: p.Lys381Thr; replaces lysine 381 with threonine.
Molecular consequence: missense variant. On other transcripts: non-coding transcript variant (1).
Genome position (GRCh38, 1-based): chr19:48,981,557, T>G on the plus strand (A>C on the coding strand, the complement: GYS1 is on the minus strand). VCF-style: chr19-48981557-T-G. GRCh37 (hg19) VCF-style: chr19-49484814-T-G.
Other names: c.950A>C, p.Lys317Thr (NM_001161587.2); c.1142A>C (NM_002103.4); short protein forms K381T, K317T.
Identifiers: ClinVar variation 1427543 (VCV001427543.9), dbSNP rs1363049243, ClinGen allele CA406763067.
Genomic context (GRCh38, chr19:48,981,557, plus strand): 5'-GCTGCGCCAGGGGCCGGAGCGAGGGCTGCTAACCAAAGCTGTTTGCGCACAGCTTGGCCT[T>G]TGAGGGTTTCCACGTTGAAATTGTTGGTCCGCGCTGGCATGATGAAGAAGGCAACCACTG-3'
Protein context (NP_002094.2, residues 371-391): RTNNFNVETL[Lys381Thr]GQAVRKQLWD

ClinVar aggregate classification (germline): Uncertain significance. Review status: criteria provided, multiple submitters, no conflicts (2 of 4 stars). 2 submissions from 2 submitters: Uncertain significance (2). Last evaluated 2023-02-22.

Conditions:
Inborn genetic diseases. Identifiers: MedGen C0950123, MeSH D030342.
Glycogen storage disease due to muscle and heart glycogen synthase deficiency. Also called: GSD 0b; MUSCLE GLYCOGEN SYNTHASE DEFICIENCY. Identifiers: Orphanet 137625, MedGen C1969054, MONDO:0012693, OMIM 611556.

Allele frequency attached by ClinVar (database versions not stated): gnomAD exomes below 0.00001.
gnomAD v4.1: 2 of 1,612,314 alleles (0.00012%); highest among the groups gnomAD compares: Non-Finnish European, 0.000085%; no homozygotes.

Submissions (2):

Ambry Genetics
Classification: Uncertain significance for Inborn genetic diseases. Last evaluated: 2023-02-22. Review status: criteria provided, single submitter. Criteria: Ambry Variant Classification Scheme 2023. Collection method: clinical testing. Allele origin: germline.

Labcorp Genetics (formerly Invitae), Labcorp
Classification: Uncertain significance for Glycogen storage disease due to muscle and heart glycogen synthase deficiency. Last evaluated: 2021-04-15. Review status: criteria provided, single submitter. Criteria: Invitae Variant Classification Sherloc (09022015). Collection method: clinical testing. Allele origin: germline.
Comment: This sequence change replaces lysine with threonine at codon 381 of the GYS1 protein (p.Lys381Thr). The lysine residue is moderately conserved and there is a moderate physicochemical difference between lysine and threonine. In summary, the available evidence is currently insufficient to determine the role of this variant in disease. Therefore, it has been classified as a Variant of Uncertain Significance. Algorithms developed to predict the effect of missense changes on protein structure and function are either unavailable or do not agree on the potential impact of this missense change (SIFT: "Deleterious"; PolyPhen-2: "Probably Damaging"; Align-GVGD: "Class C0"). This variant has not been reported in the literature in individuals with GYS1-related conditions. This variant is not present in population databases (ExAC no frequency).